The following is an entry in ClinVar:

NM_001111125.3(IQSEC2):c.809G>T (p.Arg270Leu)

Gene: IQSEC2 (IQ motif and Sec7 domain ArfGEF 2; minus strand). Cytogenetic location: Xp11.22.
Variant type: single nucleotide variant.
Coding change: c.809G>T on transcript NM_001111125.3 (MANE Select); coding-DNA position 809, G replaced by T.
Protein change: p.Arg270Leu; replaces arginine 270 with leucine.
Molecular consequence: missense variant.
Genome position (GRCh38, 1-based): chrX:53,255,990, C>A on the plus strand (G>T on the coding strand, the complement: IQSEC2 is on the minus strand). VCF-style: chrX-53255990-C-A. GRCh37 (hg19) VCF-style: chrX-53285172-C-A.
Other names: c.809G>T, p.Arg270Leu (NM_001410736.1, NM_001441092.1); c.311G>T, p.Arg104Leu (NM_001441093.1); c.98G>T, p.Arg33Leu (NM_001441094.1, NM_001441095.1); c.194G>T, p.Arg65Leu (NM_015075.2); short protein forms R104L, R270L, R33L, R65L.
Identifiers: ClinVar variation 4801025 (VCV004801025.1).

ClinVar aggregate classification (germline): Uncertain significance (1 of 4 stars; one submission).

Conditions:
Intellectual developmental disorder, X-linked 1. Also called: Atkin Flaitz Patil Smith syndrome; MENTAL RETARDATION, X-LINKED 18; MENTAL RETARDATION, X-LINKED 78; Intellectual disability, X-linked 1. Identifiers: Orphanet 777, MedGen C2931498, MONDO:0010656, OMIM 309530.

Submission:

Labcorp Genetics (formerly Invitae), Labcorp
Classification: Uncertain significance for Intellectual developmental disorder, X-linked 1. Last evaluated: 2025-05-01. Review status: criteria provided, single submitter. Criteria: Invitae Variant Classification Sherloc (09022015). Collection method: clinical testing. Allele origin: germline.
Comment: This sequence change replaces arginine, which is basic and polar, with leucine, which is neutral and non-polar, at codon 270 of the IQSEC2 protein (p.Arg270Leu). This variant is not present in population databases (gnomAD no frequency). This variant has not been reported in the literature in individuals affected with IQSEC2-related conditions. Invitae Evidence Modeling of protein sequence and biophysical properties (such as structural, functional, and spatial information, amino acid conservation, physicochemical variation, residue mobility, and thermodynamic stability) indicates that this missense variant is not expected to disrupt IQSEC2 protein function with a negative predictive value of 95%. In summary, the available evidence is currently insufficient to determine the role of this variant in disease. Therefore, it has been classified as a Variant of Uncertain Significance.